The following is an entry in ClinVar:

ClinVar aggregate classification (germline): Uncertain significance. Review status: criteria provided, multiple submitters, no conflicts (2 of 4 stars). 5 submissions from 5 submitters: Uncertain significance (5). Last evaluated 2025-06-12.

Conditions:
Juvenile polyposis syndrome (JPS). Identifiers: Orphanet 2929, MedGen C0345893, MONDO:0017380, OMIM 174900.
Hereditary cancer-predisposing syndrome. Also called: Neoplastic Syndromes, Hereditary; Hereditary Cancer Syndrome; Hereditary neoplastic syndrome; Tumor predisposition. Identifiers: Orphanet 140162, MedGen C0027672, MeSH D009386, MONDO:0015356.

Submissions (5):

Labcorp Genetics (formerly Invitae), Labcorp
Classification: Uncertain significance for Juvenile polyposis syndrome. Last evaluated: 2025-06-12. Review status: criteria provided, single submitter. Criteria: Invitae Variant Classification Sherloc (09022015). Collection method: clinical testing. Allele origin: germline.
Comment: This sequence change replaces isoleucine, which is neutral and non-polar, with valine, which is neutral and non-polar, at codon 368 of the BMPR1A protein (p.Ile368Val). This variant is not present in population databases (gnomAD no frequency). This variant has not been reported in the literature in individuals affected with BMPR1A-related conditions. ClinVar contains an entry for this variant (Variation ID: 642727). Invitae Evidence Modeling of protein sequence and biophysical properties (such as structural, functional, and spatial information, amino acid conservation, physicochemical variation, residue mobility, and thermodynamic stability) has been performed for this missense variant. However, the output from this modeling did not meet the statistical confidence thresholds required to predict the impact of this variant on BMPR1A protein function. In summary, the available evidence is currently insufficient to determine the role of this variant in disease. Therefore, it has been classified as a Variant of Uncertain Significance.

Center for Genomic Medicine, Rigshospitalet, Copenhagen University Hospital
Classification: Uncertain significance. Last evaluated: 2025-03-04. Review status: criteria provided, single submitter. Criteria: ACMG Guidelines, 2015. Collection method: clinical testing. Allele origin: germline.

Ambry Genetics
Classification: Uncertain significance for Hereditary cancer-predisposing syndrome. Last evaluated: 2024-01-16. Review status: criteria provided, single submitter. Criteria: Ambry Variant Classification Scheme 2023. Collection method: clinical testing. Allele origin: germline.
Comment: The p.I368V variant (also known as c.1102A>G), located in coding exon 8 of the BMPR1A gene, results from an A to G substitution at nucleotide position 1102. The isoleucine at codon 368 is replaced by valine, an amino acid with highly similar properties. This amino acid position is highly conserved in available vertebrate species. In addition, the in silico prediction for this alteration is inconclusive. Since supporting evidence is limited at this time, the clinical significance of this alteration remains unclear.

Sema4
Classification: Uncertain significance for Hereditary cancer-predisposing syndrome. Last evaluated: 2022-03-20. Review status: criteria provided, single submitter. Criteria: Sema4 Curation Guidelines. Collection method: curation. Allele origin: germline.
Comment: The BMPR1A c.1102A>G (p.I368V) variant has not been reported in the literature to our knowledge. This variant is not reported in the population database Genome Aggregation Database (PMID: 32461654). The variant has been reported in ClinVar (Variation ID: 642727). Functional studies have not been performed, and in silico predictions of the variant's effect on protein function are inconclusive. The evidence is insufficient to meet ACMG/AMP criteria for classifying the variant as benign or pathogenic. Thus, the clinical significance of this variant is currently uncertain.

Women's Health and Genetics/Laboratory Corporation of America, LabCorp
Classification: Uncertain significance. Last evaluated: 2021-08-13. Review status: criteria provided, single submitter. Criteria: LabCorp Variant Classification Summary - May 2015. Collection method: clinical testing. Allele origin: germline.
Comment: Variant summary: BMPR1A c.1102A>G (p.Ile368Val) results in a conservative amino acid change located in the Protein kinase domain (IPR000719) of the encoded protein sequence. Three of five in-silico tools predict a benign effect of the variant on protein function. The variant was absent in 251014 control chromosomes (gnomAD). The available data on variant occurrences in the general population are insufficient to allow any conclusion about variant significance. To our knowledge, no occurrence of c.1102A>G in individuals affected with Juvenile Polyposis Syndrome and no experimental evidence demonstrating its impact on protein function have been reported. One clinical diagnostic laboratory has submitted clinical-significance assessments for this variant to ClinVar after 2014 without evidence for independent evaluation. One laboratory classified the variant as uncertain significance. Based on the evidence outlined above, the variant was classified as uncertain significance.

NM_004329.3(BMPR1A):c.1102A>G (p.Ile368Val)

Gene: BMPR1A (bone morphogenetic protein receptor type 1A; plus strand). Cytogenetic location: 10q23.2.
Variant type: single nucleotide variant.
Coding change: c.1102A>G on transcript NM_004329.3 (MANE Select); coding-DNA position 1102, A replaced by G.
Protein change: p.Ile368Val; replaces isoleucine 368 with valine.
Molecular consequence: missense variant.
Genome position (GRCh38, 1-based): chr10:86,919,405, A>G. VCF-style: chr10-86919405-A-G. GRCh37 (hg19) VCF-style: chr10-88679162-A-G.
Other names: short protein forms I368V.
Identifiers: ClinVar variation 642727 (VCV000642727.21), dbSNP rs1589291789, ClinGen allele CA377460883.